The following is an entry in ClinVar:

ClinVar aggregate classification (germline): Uncertain significance (1 of 4 stars; one submission).

Conditions:
Brugada syndrome 4 (BRGDA4). Identifiers: Orphanet 130, MedGen C2678477, MONDO:0012743, OMIM 611876.

Allele frequency attached by ClinVar (database versions not stated): gnomAD exomes 0.00001.
gnomAD v4.1: 3 of 1,614,090 alleles (0.00019%); highest among the groups gnomAD compares: Non-Finnish European, 0.00025%; no homozygotes.

Submission:

Labcorp Genetics (formerly Invitae), Labcorp
Classification: Uncertain significance for Brugada syndrome 4. Last evaluated: 2021-08-31. Review status: criteria provided, single submitter. Criteria: Invitae Variant Classification Sherloc (09022015). Collection method: clinical testing. Allele origin: germline.
Comment: This sequence change replaces serine with phenylalanine at codon 511 of the CACNB2 protein (p.Ser511Phe). The serine residue is moderately conserved and there is a large physicochemical difference between serine and phenylalanine. This variant is not present in population databases (ExAC no frequency). This variant has not been reported in the literature in individuals affected with CACNB2-related conditions. Algorithms developed to predict the effect of missense changes on protein structure and function are either unavailable or do not agree on the potential impact of this missense change (SIFT: "Deleterious"; PolyPhen-2: "Probably Damaging"; Align-GVGD: "Class C0"). In summary, the available evidence is currently insufficient to determine the role of this variant in disease. Therefore, it has been classified as a Variant of Uncertain Significance.

NM_201596.3(CACNB2):c.1694C>T (p.Ser565Phe)

Gene: CACNB2 (calcium voltage-gated channel auxiliary subunit beta 2; plus strand). Cytogenetic location: 10p12.31.
Variant type: single nucleotide variant.
Coding change: c.1694C>T on transcript NM_201596.3 (MANE Select); coding-DNA position 1694, C replaced by T.
Protein change: p.Ser565Phe; replaces serine 565 with phenylalanine.
Molecular consequence: missense variant.
Genome position (GRCh38, 1-based): chr10:18,539,435, C>T. VCF-style: chr10-18539435-C-T. GRCh37 (hg19) VCF-style: chr10-18828364-C-T.
Other names: c.1529C>T, p.Ser510Phe (NM_000724.4); c.1496C>T, p.Ser499Phe (NM_001167945.2); c.1415C>T, p.Ser472Phe (NM_001330060.2); c.1550C>T, p.Ser517Phe (NM_201570.3); c.1610C>T, p.Ser537Phe (NM_201571.4); c.1538C>T, p.Ser513Phe (NM_201572.4); c.1532C>T, p.Ser511Phe (NM_201590.3); c.1580C>T, p.Ser527Phe (NM_201593.3); and 1 more; short protein forms S472F, S499F, S510F, S511F, S513F, S517F, S527F, S537F.
Identifiers: ClinVar variation 1062756 (VCV001062756.6), dbSNP rs1178558183, ClinGen allele CA376071773.